The following is an entry in ClinVar:

NM_006494.4(ERF):c.706C>T (p.Pro236Ser)

Gene: ERF (ETS2 repressor factor; minus strand). Cytogenetic location: 19q13.2.
Variant type: single nucleotide variant.
Coding change: c.706C>T on transcript NM_006494.4 (MANE Select); coding-DNA position 706, C replaced by T.
Protein change: p.Pro236Ser; replaces proline 236 with serine.
Molecular consequence: missense variant. On other transcripts: 5 prime UTR variant (1).
Genome position (GRCh38, 1-based): chr19:42,249,406, G>A on the plus strand (C>T on the coding strand, the complement: ERF is on the minus strand). VCF-style: chr19-42249406-G-A. GRCh37 (hg19) VCF-style: chr19-42753558-G-A.
Other names: c.481C>T, p.Pro161Ser (NM_001301035.2, NM_001308402.2, NM_001312656.2 and 1 more transcripts); c.-102C>T (NM_001440421.1); short protein forms P236S, P161S.
Identifiers: ClinVar variation 4087981 (VCV004087981.1).
Genomic context (GRCh38, chr19:42,249,406, plus strand): 5'-GACCGGCCAGAGGCGACACAGGGAAGGGGCTGAGGGGTTCAGGGCCACCCCGAGGCCGGG[G>A]ATAGACTCGGAAGACACCAGGGTCATGGGGCAGGCGGGCCAGCGGGGGCCCTCGGAAGGC-3'
Protein context (NP_006485.2, residues 226-246): PHDPGVFRVY[Pro236Ser]RPRGGPEPLS

ClinVar aggregate classification (germline): Uncertain significance (1 of 4 stars; one submission).

gnomAD v4.1: 14 of 1,580,678 alleles (0.00089%); highest among the groups gnomAD compares: Middle Eastern, 0.017%; no homozygotes.

Submission:

GeneDx
Classification: Uncertain significance. Last evaluated: 2025-03-22. Review status: criteria provided, single submitter. Criteria: GeneDx Variant Classification Process June 2021. Collection method: clinical testing. Allele origin: germline. Affected: yes.
Comment: Not observed at significant frequency in large population cohorts (gnomAD); In silico analysis indicates that this missense variant does not alter protein structure/function; Has not been previously published as pathogenic or benign to our knowledge